The following is an entry in ClinVar:

NM_000548.5(TSC2):c.530T>G (p.Leu177Arg)

Gene: TSC2 (TSC complex subunit 2; plus strand). Cytogenetic location: 16p13.3.
Variant type: single nucleotide variant.
Coding change: c.530T>G on transcript NM_000548.5 (MANE Select); coding-DNA position 530, T replaced by G.
Protein change: p.Leu177Arg; replaces leucine 177 with arginine.
Molecular consequence: missense variant. On other transcripts: intron variant (6), 5 prime UTR variant (13), non-coding transcript variant (5).
Genome position (GRCh38, 1-based): chr16:2,055,450, T>G. VCF-style: chr16-2055450-T-G. GRCh37 (hg19) VCF-style: chr16-2105451-T-G.
Other names: c.-1-746T>G (NM_001406684.1, NM_001406685.1, NM_001318831.2 and 3 more transcripts); c.530T>G, p.Leu177Arg (NM_001077183.3, NM_001114382.3, NM_001363528.2 and 8 more transcripts); c.419T>G, p.Leu140Arg (NM_001318827.2, NM_001406670.1, NM_001406678.1); c.383T>G, p.Leu128Arg (NM_001318829.2, NM_001406675.1, NM_001406676.1 and 1 more transcripts); c.563T>G, p.Leu188Arg (NM_001318832.2); c.620T>G, p.Leu207Arg (NM_001406667.1, NM_001406668.1); c.473T>G, p.Leu158Arg (NM_001406677.1); c.-287T>G (NM_001406680.1, NM_001406683.1, NM_001406687.1); and 6 more; short protein forms L177R, L140R, L207R, L128R, L158R, L188R, L23R.
Identifiers: ClinVar variation 2564660 (VCV002564660.2), dbSNP rs2085662752, ClinGen allele CA394309371.

ClinVar aggregate classification (germline): Uncertain significance (1 of 4 stars; one submission).

Conditions:
Hereditary cancer-predisposing syndrome. Also called: Neoplastic Syndromes, Hereditary; Hereditary Cancer Syndrome; Hereditary neoplastic syndrome; Tumor predisposition. Identifiers: Orphanet 140162, MedGen C0027672, MeSH D009386, MONDO:0015356.

Submission:

Ambry Genetics
Classification: Uncertain significance for Hereditary cancer-predisposing syndrome. Last evaluated: 2023-04-18. Review status: criteria provided, single submitter. Criteria: Ambry Variant Classification Scheme 2023. Collection method: clinical testing. Allele origin: germline.
Comment: The p.L177R variant (also known as c.530T>G), located in coding exon 5 of the TSC2 gene, results from a T to G substitution at nucleotide position 530. The leucine at codon 177 is replaced by arginine, an amino acid with dissimilar properties. This amino acid position is conserved. In addition, this alteration is predicted to be deleterious by in silico analysis. Since supporting evidence is limited at this time, the clinical significance of this alteration remains unclear.